The following is an entry in ClinVar:

ClinVar aggregate classification (germline): Uncertain significance (1 of 4 stars; one submission).

Conditions:
Familial cold autoinflammatory syndrome 3 (FCAS3). Also called: ANTIBODY DEFICIENCY AND IMMUNE DYSREGULATION, PLCG2-ASSOCIATED; FAMILIAL ATYPICAL COLD URTICARIA. Identifiers: Orphanet 300359, MedGen C3280914, MONDO:0013766, OMIM 614468.

Allele frequency attached by ClinVar (database versions not stated): TOPMed below 0.00001.

Submission:

Labcorp Genetics (formerly Invitae), Labcorp
Classification: Uncertain significance for Familial cold autoinflammatory syndrome 3. Last evaluated: 2022-10-31. Review status: criteria provided, single submitter. Criteria: Invitae Variant Classification Sherloc (09022015). Collection method: clinical testing. Allele origin: germline.
Comment: This variant has not been reported in the literature in individuals affected with PLCG2-related conditions. In summary, the available evidence is currently insufficient to determine the role of this variant in disease. Therefore, it has been classified as a Variant of Uncertain Significance. Algorithms developed to predict the effect of missense changes on protein structure and function (SIFT, PolyPhen-2, Align-GVGD) all suggest that this variant is likely to be disruptive. ClinVar contains an entry for this variant (Variation ID: 1016431). This variant is not present in population databases (gnomAD no frequency). This sequence change replaces tryptophan, which is neutral and slightly polar, with cysteine, which is neutral and slightly polar, at codon 532 of the PLCG2 protein (p.Trp532Cys).

NM_002661.5(PLCG2):c.1596G>T (p.Trp532Cys)

Gene: PLCG2 (phospholipase C gamma 2; plus strand). Cytogenetic location: 16q23.3.
Variant type: single nucleotide variant.
Coding change: c.1596G>T on transcript NM_002661.5 (MANE Select); coding-DNA position 1596, G replaced by T.
Protein change: p.Trp532Cys; replaces tryptophan 532 with cysteine.
Molecular consequence: missense variant.
Genome position (GRCh38, 1-based): chr16:81,908,454, G>T. VCF-style: chr16-81908454-G-T. GRCh37 (hg19) VCF-style: chr16-81942059-G-T.
Other names: short protein forms W532C.
Identifiers: ClinVar variation 1016431 (VCV001016431.8), dbSNP rs1663889181, ClinGen allele CA396900123.